The following is an entry in ClinVar:

ClinVar aggregate classification (germline): Likely benign. Review status: criteria provided, single submitter (1 of 4 stars). 2 submissions from 2 submitters: Likely benign (1). 1 of the submissions does not count toward it. Last evaluated 2025-05-29.

Conditions:
3-Methylglutaconic aciduria type 3 (MGCA3). Also called: Costeff Syndrome; OPA3, AUTOSOMAL RECESSIVE; OPTIC ATROPHY 3, AUTOSOMAL RECESSIVE; OPA3-Related 3-Methylglutaconic Aciduria. Identifiers: Orphanet 67047, MedGen C0574084, MONDO:0009787, OMIM 258501.

Allele frequency attached by ClinVar (database versions not stated): ExAC 0.00015; 1000 Genomes Project 0.00040; gnomAD 0.00041; TOPMed 0.00041; 1000 Genomes Project 30x 0.00047; ESP Exome Variant Server 0.00069.
gnomAD v4.1: 121 of 1,613,436 alleles (0.0075%); highest among the groups gnomAD compares: African/African-American, 0.14%; no homozygotes.

Submissions (2):

Mayo Clinic Laboratories, Mayo Clinic
Classification: Likely benign. Last evaluated: 2025-05-29. Review status: criteria provided, single submitter. Criteria: ACMG Guidelines, 2015. Collection method: clinical testing. Allele origin: germline. Observed: 1 variant allele.
Comment: BS1, BP4

Counsyl
Classification: Uncertain significance for 3-Methylglutaconic aciduria type 3. Last evaluated: 2017-06-02. Review status: no assertion criteria provided. Collection method: clinical testing. Allele origin: unknown. Not counted in ClinVar's aggregate classification.

NM_025136.4(OPA3):c.-7C>G

Genes: OPA3 (outer mitochondrial membrane lipid metabolism regulator OPA3; minus strand), OPA3-RTN2 (OPA3-RTN2 readthrough; minus strand), LOC130064709 (ATAC-STARR-seq lymphoblastoid active region 14802; plus strand). Cytogenetic location: 19q13.32.
Variant type: single nucleotide variant.
Coding change: c.-7C>G on transcript NM_025136.4 (MANE Select); 7 bases upstream of the start codon, C replaced by G.
Molecular consequence: 5 prime UTR variant.
Genome position (GRCh38, 1-based): chr19:45,584,771, G>C on the plus strand (C>G on the coding strand, the complement: OPA3 is on the minus strand). VCF-style: chr19-45584771-G-C. GRCh37 (hg19) VCF-style: chr19-46088029-G-C.
Other names: c.-7C>G (NM_001017989.3).
Identifiers: ClinVar variation 552269 (VCV000552269.3), dbSNP rs199590627, ClinGen allele CA9517504.